The following is an entry in ClinVar:

NM_000455.5(STK11):c.558C>G (p.Thr186=)

Gene: STK11 (serine/threonine kinase 11; plus strand). Cytogenetic location: 19p13.3.
Variant type: single nucleotide variant.
Coding change: c.558C>G on transcript NM_000455.5 (MANE Select); coding-DNA position 558, C replaced by G.
Protein change: p.Thr186=; no amino-acid change (threonine 186 retained).
Molecular consequence: synonymous variant.
Genome position (GRCh38, 1-based): chr19:1,220,466, C>G. VCF-style: chr19-1220466-C-G. GRCh37 (hg19) VCF-style: chr19-1220465-C-G.
Other names: c.558C>G (NM_000455.4).
Identifiers: ClinVar variation 1086907 (VCV001086907.13), dbSNP rs749563734, ClinGen allele CA048080.
Genomic context (GRCh38, chr19:1,220,466, plus strand): 5'-CCTGCATAGCCAGGGCATTGTGCACAAGGACATCAAGCCGGGGAACCTGCTGCTCACCAC[C>G]GGTGGCACCCTCAAAATCTCCGACCTGGGCGTGGCCGAGGTAGGCACGTGCTAGGGGGGG-3'
Protein context (NP_000446.1, residues 176-196): DIKPGNLLLT[Thr186=]GGTLKISDLG

ClinVar aggregate classification (germline): Benign/Likely benign. Review status: criteria provided, multiple submitters, no conflicts (2 of 4 stars). 4 submissions from 4 submitters: Benign (1); Likely benign (3). Last evaluated 2025-11-01.

Conditions:
Hereditary cancer-predisposing syndrome. Also called: Neoplastic Syndromes, Hereditary; Hereditary neoplastic syndrome; Hereditary Cancer Syndrome; Tumor predisposition. Identifiers: Orphanet 140162, MedGen C0027672, MeSH D009386, MONDO:0015356.
Peutz-Jeghers syndrome (PJS). Also called: Peutz-Jeghers polyposis; Periorificial lentiginosis syndrome; POLYPOSIS, HAMARTOMATOUS INTESTINAL; POLYPS-AND-SPOTS SYNDROME. Identifiers: Orphanet 2869, MedGen C0031269, MeSH D010580, MONDO:0008280, OMIM 175200.

gnomAD v4.1: 31 of 1,606,896 alleles (0.0019%); highest among the groups gnomAD compares: South Asian, 0.033%; no homozygotes.

Submissions (4):

Labcorp Genetics (formerly Invitae), Labcorp
Classification: Likely benign for Peutz-Jeghers syndrome. Last evaluated: 2025-11-01. Review status: criteria provided, single submitter. Criteria: Invitae Variant Classification Sherloc (09022015). Collection method: clinical testing. Allele origin: germline.

Myriad Genetics, Inc.
Classification: Benign for Peutz-Jeghers syndrome. Last evaluated: 2025-03-26. Review status: criteria provided, single submitter. Criteria: Myriad Autosomal Dominant, Autosomal Recessive and X-Linked Classification Criteria (2023). Collection method: clinical testing. Allele origin: unknown.
Comment: This variant is considered benign. This variant is a silent/synonymous amino acid change and it is not expected to impact splicing.

Ambry Genetics
Classification: Likely benign for Hereditary cancer-predisposing syndrome. Last evaluated: 2024-12-10. Review status: criteria provided, single submitter. Criteria: Ambry Variant Classification Scheme 2023. Collection method: clinical testing. Allele origin: germline.

Color Diagnostics, LLC DBA Color Health
Classification: Likely benign for Hereditary cancer-predisposing syndrome. Last evaluated: 2022-01-20. Review status: criteria provided, single submitter. Criteria: ACMG Guidelines, 2015. Collection method: clinical testing. Allele origin: germline.